The following is an entry in ClinVar:

ClinVar aggregate classification (germline): Uncertain significance. Review status: criteria provided, multiple submitters, no conflicts (2 of 4 stars). 2 submissions from 2 submitters: Uncertain significance (2). Last evaluated 2024-02-27.

Conditions:
Autosomal recessive hypophosphatemic bone disease (HHRH). Also called: Hypophosphatemic rickets with hypercalciuria; HYPERCALCIURIC RICKETS. Identifiers: Orphanet 157215, MedGen C1853271, MONDO:0009431, OMIM 241530.

Allele frequency attached by ClinVar (database versions not stated): ExAC 0.00001; gnomAD 0.00001; gnomAD exomes 0.00001; TOPMed 0.00003.

Submissions (2):

Fulgent Genetics
Classification: Uncertain significance for Autosomal recessive hypophosphatemic bone disease. Last evaluated: 2024-02-27. Review status: criteria provided, single submitter. Criteria: ACMG Guidelines, 2015. Collection method: clinical testing. Allele origin: germline.

Labcorp Genetics (formerly Invitae), Labcorp
Classification: Uncertain significance. Last evaluated: 2022-05-31. Review status: criteria provided, single submitter. Criteria: Invitae Variant Classification Sherloc (09022015). Collection method: clinical testing. Allele origin: germline.
Comment: This sequence change replaces glycine, which is neutral and non-polar, with serine, which is neutral and polar, at codon 7 of the SLC34A3 protein (p.Gly7Ser). This variant is present in population databases (rs759744880, gnomAD 0.01%). This variant has not been reported in the literature in individuals affected with SLC34A3-related conditions. Algorithms developed to predict the effect of missense changes on protein structure and function output the following: SIFT: "Deleterious"; PolyPhen-2: "Benign"; Align-GVGD: "Class C0". The serine amino acid residue is found in multiple mammalian species, which suggests that this missense change does not adversely affect protein function. Algorithms developed to predict the effect of sequence changes on RNA splicing suggest that this variant may create or strengthen a splice site. In summary, the available evidence is currently insufficient to determine the role of this variant in disease. Therefore, it has been classified as a Variant of Uncertain Significance.

NM_001177316.2(SLC34A3):c.19G>A (p.Gly7Ser)

Gene: SLC34A3 (solute carrier family 34 member 3; plus strand). Cytogenetic location: 9q34.3.
Variant type: single nucleotide variant.
Coding change: c.19G>A on transcript NM_001177316.2 (MANE Select); coding-DNA position 19, G replaced by A.
Protein change: p.Gly7Ser; replaces glycine 7 with serine.
Molecular consequence: missense variant.
Genome position (GRCh38, 1-based): chr9:137,231,721, G>A. VCF-style: chr9-137231721-G-A. GRCh37 (hg19) VCF-style: chr9-140126173-G-A.
Other names: c.19G>A, p.Gly7Ser (NM_001177317.2, NM_080877.3); c.19G>A (NM_080877.2); short protein forms G7S.
Identifiers: ClinVar variation 1897849 (VCV001897849.3), dbSNP rs759744880, ClinGen allele CA5364166.
Genomic context (GRCh38, chr9:137,231,721, plus strand): 5'-CAGATCTAGACCTGGGCCTGGGTCTGTCCCTGCCCGAAATCCATGCCGAGTTCCCTTCCC[G>A]GCAGCCAGGTCCCCCACCCCACTCTGGACGCGGTTGACCTAGTGGAAAAGACTCTGAGGA-3'
Protein context (NP_001170787.2, residues 1-17): MPSSLP[Gly7Ser]SQVPHPTLDA